The following is an entry in ClinVar:

NM_015602.4(TOR1AIP1):c.251G>T (p.Arg84Leu)

Genes: TOR1AIP1 (torsin 1A interacting protein 1; plus strand), LOC112577517 (Sharpr-MPRA regulatory region 13766; plus strand). Cytogenetic location: 1q25.2.
Variant type: single nucleotide variant.
Coding change: c.251G>T on transcript NM_015602.4 (MANE Select); coding-DNA position 251, G replaced by T.
Protein change: p.Arg84Leu; replaces arginine 84 with leucine.
Molecular consequence: missense variant.
Genome position (GRCh38, 1-based): chr1:179,882,753, G>T. VCF-style: chr1-179882753-G-T. GRCh37 (hg19) VCF-style: chr1-179851888-G-T.
Other names: c.251G>T, p.Arg84Leu (NM_001267578.2); short protein forms R84L.
Identifiers: ClinVar variation 1968338 (VCV001968338.5), dbSNP rs1647758642, ClinGen allele CA343577928.
Genomic context (GRCh38, chr1:179,882,753, plus strand): 5'-CAGAAGTGTACGGCGACTTCGAGCCCCTGGTGGCCAAAGAAAGGTCCCCGGTGGGAAAAC[G>T]AACCCGGCTAGAAGAGTTCCGGTCCGATTCTGCGAAAGAGGAAGTGAGAGAAAGCGCGTA-3'
Protein context (NP_056417.2, residues 74-94): VAKERSPVGK[Arg84Leu]TRLEEFRSDS

ClinVar aggregate classification (germline): Uncertain significance (1 of 4 stars; one submission).

Conditions:
Autosomal recessive limb-girdle muscular dystrophy type 2Y (MRRSDC). Also called: Muscular dystrophy, limb-girdle, type 2y; Muscular dystrophy, autosomal recessive, with rigid spine and distal joint contractures. Identifiers: Orphanet 424261, MedGen C4511482, MONDO:0014900, OMIM 617072.

gnomAD v4.1: 2 of 1,614,172 alleles (0.00012%); highest among the groups gnomAD compares: Non-Finnish European, 0.00017%; no homozygotes.

Submission:

Labcorp Genetics (formerly Invitae), Labcorp
Classification: Uncertain significance for Autosomal recessive limb-girdle muscular dystrophy type 2Y. Last evaluated: 2022-03-29. Review status: criteria provided, single submitter. Criteria: Invitae Variant Classification Sherloc (09022015). Collection method: clinical testing. Allele origin: germline.
Comment: In summary, the available evidence is currently insufficient to determine the role of this variant in disease. Therefore, it has been classified as a Variant of Uncertain Significance. Algorithms developed to predict the effect of missense changes on protein structure and function are either unavailable or do not agree on the potential impact of this missense change (SIFT: "Deleterious"; PolyPhen-2: "Possibly Damaging"; Align-GVGD: "Class C0"). This variant has not been reported in the literature in individuals affected with TOR1AIP1-related conditions. This variant is not present in population databases (gnomAD no frequency). This sequence change replaces arginine, which is basic and polar, with leucine, which is neutral and non-polar, at codon 84 of the TOR1AIP1 protein (p.Arg84Leu).